The following is an entry in ClinVar:

NM_001276345.2(TNNT2):c.114G>A (p.Ala38=)

Gene: TNNT2 (troponin T2, cardiac type; minus strand). Cytogenetic location: 1q32.1.
Variant type: single nucleotide variant.
Coding change: c.114G>A on transcript NM_001276345.2 (MANE Select); coding-DNA position 114, G replaced by A.
Protein change: p.Ala38=; no amino-acid change (alanine 38 retained).
Molecular consequence: synonymous variant.
Genome position (GRCh38, 1-based): chr1:201,368,211, C>T on the plus strand (G>A on the coding strand, the complement: TNNT2 is on the minus strand). VCF-style: chr1-201368211-C-T. GRCh37 (hg19) VCF-style: chr1-201337339-C-T.
Other names: c.114G>A, p.Ala38= (NM_000364.4, NM_001276346.2); c.84G>A, p.Ala28= (NM_001001430.3, NM_001001431.3, NM_001276347.2); c.69G>A, p.Ala23= (NM_001001432.3).
Identifiers: ClinVar variation 378741 (VCV000378741.41), dbSNP rs200283086, ClinGen allele CA089233.

ClinVar aggregate classification (germline): Benign/Likely benign. Review status: criteria provided, multiple submitters, no conflicts (2 of 4 stars). 12 submissions from 10 submitters: Benign (4); Likely benign (8). Last evaluated 2026-01-28.

Conditions:
Cardiomyopathy, familial restrictive, 3. Identifiers: Orphanet 75249, MedGen C2676271, MONDO:0012900, OMIM 612422.
Dilated cardiomyopathy 1D. Identifiers: Orphanet 154, Orphanet 54260, MedGen C1832243, MONDO:0011095, OMIM 601494.
Hypertrophic cardiomyopathy 2. Also called: TNNT2-Related Familial Hypertrophic Cardiomyopathy. Identifiers: MedGen C1861864, MONDO:0007266, OMIM 115195.
Cardiomyopathy (CMYO). Also called: Cardiomyopathies. Identifiers: Orphanet 167848, MedGen C0878544, MONDO:0004994, HP:0001638. Inheritance: Various modes of inheritance.
Cardiovascular phenotype. Identifiers: MedGen CN230736.

Allele frequency attached by ClinVar (database versions not stated): TOPMed 0.00004; gnomAD exomes 0.00005; gnomAD 0.00006 and 0.00007; ExAC 0.00007; 1000 Genomes Project 0.00040; 1000 Genomes Project 30x 0.00062.
gnomAD v4.1: 56 of 1,614,132 alleles (0.0035%); highest among the groups gnomAD compares: Admixed American, 0.027%; no homozygotes.

Submissions (12):

Labcorp Genetics (formerly Invitae), Labcorp
Classification: Likely benign for Cardiomyopathy, familial restrictive, 3; Hypertrophic cardiomyopathy 2; Dilated cardiomyopathy 1D. Last evaluated: 2026-01-28. Review status: criteria provided, single submitter. Criteria: Invitae Variant Classification Sherloc (09022015). Collection method: clinical testing. Allele origin: germline.

Women's Health and Genetics/Laboratory Corporation of America, LabCorp
Classification: Likely benign. Last evaluated: 2025-05-09. Review status: criteria provided, single submitter. Criteria: LabCorp Variant Classification Summary - May 2015. Collection method: clinical testing. Allele origin: germline.

Blueprint Genetics
Classification: Likely benign. Last evaluated: 2024-05-30. Review status: criteria provided, single submitter. Criteria: ACMG Guidelines, 2015. Collection method: clinical testing. Allele origin: germline.

CeGaT Center for Human Genetics Tuebingen
Classification: Likely benign. Last evaluated: 2024-02-01. Review status: criteria provided, single submitter. Criteria: CeGaT Center For Human Genetics Tuebingen Variant Classification Criteria Version 2. Collection method: clinical testing. Allele origin: germline. Affected: yes. Observed: 1 variant allele.
Comment: TNNT2: BP4, BP7

All of Us Research Program, National Institutes of Health
Classification: Likely benign for Cardiomyopathy. Last evaluated: 2024-01-03. Review status: criteria provided, single submitter. Criteria: ACMG Guidelines, 2015. Collection method: clinical testing. Allele origin: germline. Inheritance: Autosomal dominant inheritance. Observed: 13 variant alleles, 13 heterozygotes.
Comment: This study involves interpretation of variants in research participants for the purpose of population health screening. Participant phenotype was not available at the time of variant classification. Additional details can be found in publication PMID: 35346344, PMCID: PMC8962531

Genome-Nilou Lab
Classification: Benign for Dilated cardiomyopathy 1D. Last evaluated: 2023-11-04. Review status: criteria provided, single submitter. Criteria: ACMG Guidelines, 2015. Collection method: clinical testing. Allele origin: germline. Affected: no.

Genome-Nilou Lab
Classification: Benign for Cardiomyopathy, familial restrictive, 3. Last evaluated: 2023-11-04. Review status: criteria provided, single submitter. Criteria: ACMG Guidelines, 2015. Collection method: clinical testing. Allele origin: germline. Affected: no.

Genome-Nilou Lab
Classification: Benign for Hypertrophic cardiomyopathy 2. Last evaluated: 2023-11-04. Review status: criteria provided, single submitter. Criteria: ACMG Guidelines, 2015. Collection method: clinical testing. Allele origin: germline. Affected: no.

CHEO Genetics Diagnostic Laboratory, Children's Hospital of Eastern Ontario
Classification: Likely benign for Cardiomyopathy. Last evaluated: 2020-06-12. Review status: criteria provided, single submitter. Criteria: ACMG Guidelines, 2015. Collection method: clinical testing. Allele origin: germline.

Color Diagnostics, LLC DBA Color Health
Classification: Likely benign for Cardiomyopathy. Last evaluated: 2019-07-09. Review status: criteria provided, single submitter. Criteria: ACMG Guidelines, 2015. Collection method: clinical testing. Allele origin: germline.

Ambry Genetics
Classification: Likely benign for Cardiovascular phenotype. Last evaluated: 2016-04-18. Review status: criteria provided, single submitter. Criteria: Ambry Variant Classification Scheme 2023. Collection method: clinical testing. Allele origin: germline.

GeneDx
Classification: Benign. Last evaluated: 2015-04-23. Review status: criteria provided, single submitter. Criteria: GeneDx Variant Classification (06012015). Collection method: clinical testing. Allele origin: germline. Affected: yes.
Comment: This variant is considered likely benign or benign based on one or more of the following criteria: it is a conservative change, it occurs at a poorly conserved position in the protein, it is predicted to be benign by multiple in silico algorithms, and/or has population frequency not consistent with disease.